The following is an entry in ClinVar:

ClinVar aggregate classification (germline): Likely pathogenic. Review status: criteria provided, multiple submitters, no conflicts (2 of 4 stars). 2 submissions from 2 submitters: Likely pathogenic (2). Last evaluated 2026-08-13.

Conditions:
Marfan syndrome (MFS). Also called: MARFAN SYNDROME, TYPE I; Marfan's syndrome; Marfan syndrome, classic; Marfan syndrome type 1; FBN1-Related Marfan Syndrome. Identifiers: Orphanet 284963, Orphanet 558, MedGen C0024796, MONDO:0007947, OMIM 154700.
Familial thoracic aortic aneurysm and aortic dissection (TAAD). Also called: Thoracic aortic aneurysms and dissections. Identifiers: Orphanet 91387, MedGen C4707243, MONDO:0019625.

Submissions (2):

Ambry Genetics
Classification: Likely pathogenic for Familial thoracic aortic aneurysm and aortic dissection. Last evaluated: 2026-08-13. Review status: criteria provided, single submitter. Criteria: Ambry Variant Classification Scheme 2023. Collection method: clinical testing. Allele origin: germline.
Comment: The p.G2091D variant (also known as c.6272G>A), located in coding exon 50 of the FBN1 gene, results from a G to A substitution at nucleotide position 6272. The glycine at codon 2091 is replaced by aspartic acid, an amino acid with similar properties. This variant was reported in individual(s) with features consistent with Marfan syndrome; in at least one individual, it was determined to be de novo (external communication). This amino acid position is highly conserved in available vertebrate species. In addition, this alteration is predicted to be deleterious by in silico analysis. This variant is considered to be rare based on population cohorts in the Genome Aggregation Database (gnomAD). Based on the majority of available evidence to date, this variant is likely to be pathogenic.

Labcorp Genetics (formerly Invitae), Labcorp
Classification: Likely pathogenic for Marfan syndrome; Familial thoracic aortic aneurysm and aortic dissection. Last evaluated: 2020-03-04. Review status: criteria provided, single submitter. Criteria: Invitae Variant Classification Sherloc (09022015). Collection method: clinical testing. Allele origin: germline.
Comment: In summary, the currently available evidence indicates that the variant is pathogenic, but additional data are needed to prove that conclusively. Therefore, this variant has been classified as Likely Pathogenic. Algorithms developed to predict the effect of missense changes on protein structure and function are either unavailable or do not agree on the potential impact of this missense change (SIFT: "Deleterious"; PolyPhen-2: "Probably Damaging"; Align-GVGD: "Class C0"). This variant has been observed in individual(s) with Marfan syndrome (Invitae). In at least one individual the variant was observed to be de novo. ClinVar contains an entry for this variant (Variation ID: 237101). This variant is not present in population databases (ExAC no frequency). This sequence change replaces glycine with aspartic acid at codon 2091 of the FBN1 protein (p.Gly2091Asp). The glycine residue is highly conserved and there is a moderate physicochemical difference between glycine and aspartic acid.

NM_000138.5(FBN1):c.6272G>A (p.Gly2091Asp)

Gene: FBN1 (fibrillin 1; minus strand). Cytogenetic location: 15q21.1.
Variant type: single nucleotide variant.
Coding change: c.6272G>A on transcript NM_000138.5 (MANE Select); coding-DNA position 6272, G replaced by A.
Protein change: p.Gly2091Asp; replaces glycine 2091 with aspartic acid.
Molecular consequence: missense variant.
Genome position (GRCh38, 1-based): chr15:48,437,809, C>T on the plus strand (G>A on the coding strand, the complement: FBN1 is on the minus strand). VCF-style: chr15-48437809-C-T. GRCh37 (hg19) VCF-style: chr15-48730006-C-T.
Other names: short protein forms G2091D.
Identifiers: ClinVar variation 237101 (VCV000237101.12), dbSNP rs878853687, ClinGen allele CA10583240.